The following is an entry in ClinVar:

ClinVar aggregate classification (germline): Conflicting classifications of pathogenicity. Review status: criteria provided, conflicting classifications (1 of 4 stars). 7 submissions from 7 submitters: Uncertain significance (6); Likely benign (1). Last evaluated 2026-01-21.

Conditions:
Hereditary spastic paraplegia 39 (SPG39). Also called: Spastic Paraplegia Type 39 (SPG39); SPASTIC PARAPLEGIA 39, AUTOSOMAL RECESSIVE. Identifiers: Orphanet 139480, MedGen C2677586, MONDO:0012787, OMIM 612020.

Allele frequency attached by ClinVar (database versions not stated): ESP Exome Variant Server 0.00008; gnomAD 0.00009 and 0.00011; TOPMed 0.00011; ExAC 0.00019.
gnomAD v4.1: 203 of 1,611,444 alleles (0.013%); highest among the groups gnomAD compares: Non-Finnish European, 0.0011%; 1 homozygote.

Submissions (7):

Labcorp Genetics (formerly Invitae), Labcorp
Classification: Likely benign for Hereditary spastic paraplegia 39. Last evaluated: 2026-01-21. Review status: criteria provided, single submitter. Criteria: Invitae Variant Classification Sherloc (09022015). Collection method: clinical testing. Allele origin: germline.

GeneDx
Classification: Uncertain significance. Last evaluated: 2025-03-27. Review status: criteria provided, single submitter. Criteria: GeneDx Variant Classification Process June 2021. Collection method: clinical testing. Allele origin: germline. Affected: yes.
Comment: In silico analysis supports that this missense variant has a deleterious effect on protein structure/function; Has not been previously published as pathogenic or benign to our knowledge

Mayo Clinic Laboratories, Mayo Clinic
Classification: Uncertain significance. Last evaluated: 2024-12-10. Review status: criteria provided, single submitter. Criteria: ACMG Guidelines, 2015. Collection method: clinical testing. Allele origin: germline. Observed: 3 variant alleles.
Comment: BS1, PP3_moderate

Molecular Genetics, Royal Melbourne Hospital
Classification: Uncertain significance for Hereditary spastic paraplegia 39. Last evaluated: 2024-11-04. Review status: criteria provided, single submitter. Criteria: ACMG Guidelines, 2015. Collection method: clinical testing. Allele origin: germline. Inheritance: Autosomal recessive inheritance. Affected: yes.
Comment: This sequence change in PNPLA6 is predicted to replace glycine with alanine at codon 890, p.(Gly890Ala). The glycine residue is highly conserved (100 vertebrates, Multiz Alignments), and located in the Patatin-like phospholipase domain in the last position of a glycine-rich loop motif predicted to be involved in nucleotide binding (Uniprot). There is a moderate physicochemical difference between glycine and alanine. PNPLA6, in which the variant was identified, is a gene significantly constrained for missense variation and where pathogenic missense variants are a common mechanism of disease (gnomAD v4.1). The highest population minor allele frequency in gnomAD v4.1 is 0.5% (164/29,578 alleles, 1 homozygote) in the Ashkenazi population, while the highest continental population minor allele frequency in gnomAD 4.1 is 0.001% (13/1,179,448 alleles) in the European (non-Finnish) population. Computational evidence predicts a deleterious effect for the missense substitution (REVEL = 0.899) and predicts no impact on splicing (SpliceAI) for the nucleotide change. Based on the classification scheme RMH Modified ACMG/AMP Guidelines v1.7.0, this variant is classified as a VARIANT OF UNCERTAIN SIGNIFICANCE. Following criteria are met: PM3, PP2, PP3

Blueprint Genetics
Classification: Uncertain significance. Last evaluated: 2024-09-23. Review status: criteria provided, single submitter. Criteria: ACMG Guidelines, 2015. Collection method: clinical testing. Allele origin: germline.

Victorian Clinical Genetics Services, Murdoch Childrens Research Institute
Classification: Uncertain significance for Hereditary spastic paraplegia 39. Last evaluated: 2024-09-20. Review status: criteria provided, single submitter. Criteria: ACMG Guidelines, 2015. Collection method: clinical testing. Allele origin: germline. Inheritance: Autosomal recessive inheritance. Affected: yes.
Comment: Based on the classification scheme VCGS_Germline_v1.3.4, this variant is classified as 3A-VUS. Following criteria are met: 0102 - Loss of function is a known mechanism of disease in this gene and is associated with Boucher-Neuhauser syndrome (MIM#215470), Oliver-McFarlane syndrome (MIM#275400) and spastic paraplegia (MIM#612020) (OMIM). (I) 0106 - This gene is associated with autosomal recessive disease. (I) 0200 - Variant is predicted to result in a missense amino acid change from glycine to alanine. (I) 0251 - This variant is heterozygous. (I) 0304 - Variant is present in gnomAD <0.01 for a recessive condition (v2: 59 heterozygotes, 0 homozygotes). (SP) 0501 - Missense variant consistently predicted to be damaging by multiple in silico tools or highly conserved with a major amino acid change. (SP) 0600 - Variant is located in the annotated patatin-like phospholipase domain (DECIPHER). (I) 0705 - No comparable missense variants have previous evidence for pathogenicity. (I) 0808 - Previous reports of pathogenicity for this variant are conflicting. This variant has been reported as likely benign and a variant of uncertain significance in ClinVar. (I) 0905 - No published segregation evidence has been identified for this variant. (I) 1007 - No published functional evidence has been identified for this variant. (I) 1201 - Heterozygous variant detected in trans with a second likely pathogenic heterozygous variant (NM_001166114.1 (PNPLA6): c.4003C>T; p.(Pro1335Ser)) in a recessive disease. (I) Legend: (SP) - Supporting pathogenic, (I) - Information, (SB) - Supporting benign

Illumina Laboratory Services, Illumina
Classification: Uncertain significance for Hereditary spastic paraplegia 39. Last evaluated: 2018-01-13. Review status: criteria provided, single submitter. Criteria: ICSL Variant Classification Criteria 13 December 2019. Collection method: clinical testing. Allele origin: germline.

NM_001166114.2(PNPLA6):c.2939G>C (p.Gly980Ala)

Gene: PNPLA6 (patatin like domain 6, lysophospholipase; plus strand). Cytogenetic location: 19p13.2.
Variant type: single nucleotide variant.
Coding change: c.2939G>C on transcript NM_001166114.2 (MANE Select); coding-DNA position 2939, G replaced by C.
Protein change: p.Gly980Ala; replaces glycine 980 with alanine.
Molecular consequence: missense variant.
Genome position (GRCh38, 1-based): chr19:7,555,609, G>C. VCF-style: chr19-7555609-G-C. GRCh37 (hg19) VCF-style: chr19-7620495-G-C.
Other names: p.Gly942Ala; c.2969G>C, p.Gly990Ala (NM_001166111.2); c.2744G>C, p.Gly915Ala (NM_001166112.2); c.2825G>C, p.Gly942Ala (NM_001166113.1, NM_006702.5); c.2939G>C (NM_001166114.1); short protein forms G942A, G980A, G915A, G990A.
Identifiers: ClinVar variation 581260 (VCV000581260.28), dbSNP rs201902695, ClinGen allele CA9140284.